The following is an entry in ClinVar:

NM_014727.3(KMT2B):c.4498-11C>A

Gene: KMT2B (lysine methyltransferase 2B; plus strand). Cytogenetic location: 19q13.12.
Variant type: single nucleotide variant.
Coding change: c.4498-11C>A on transcript NM_014727.3 (MANE Select); 11 bases into the intron before coding-DNA position 4498, C replaced by A.
Molecular consequence: intron variant.
Genome position (GRCh38, 1-based): chr19:35,728,087, C>A. VCF-style: chr19-35728087-C-A. GRCh37 (hg19) VCF-style: chr19-36218988-C-A.
Identifiers: ClinVar variation 2682585 (VCV002682585.3), dbSNP rs1259547158, ClinGen allele CA881810790.

ClinVar aggregate classification (germline): Likely benign. Review status: criteria provided, multiple submitters, no conflicts (2 of 4 stars). 2 submissions from 2 submitters: Likely benign (2). Last evaluated 2024-11-13.

Allele frequency attached by ClinVar (database versions not stated): TOPMed 0.00001; gnomAD exomes 0.00002.
gnomAD v4.1: 21 of 1,591,236 alleles (0.0013%); highest among the groups gnomAD compares: Non-Finnish European, 0.0018%; no homozygotes.

Submissions (2):

Labcorp Genetics (formerly Invitae), Labcorp
Classification: Likely benign. Last evaluated: 2024-11-13. Review status: criteria provided, single submitter. Criteria: Invitae Variant Classification Sherloc (09022015). Collection method: clinical testing. Allele origin: germline.

Women's Health and Genetics/Laboratory Corporation of America, LabCorp
Classification: Likely benign. Last evaluated: 2023-11-02. Review status: criteria provided, single submitter. Criteria: LabCorp Variant Classification Summary - May 2015. Collection method: clinical testing. Allele origin: germline.
Comment: Variant summary: KMT2B c.4498-11C>A alters a non-conserved nucleotide located at a position not widely known to affect splicing. Several computational tools predict a significant impact on normal splicing: Two predict the variant weakens a 3' acceptor site. However, these predictions have yet to be confirmed by functional studies. The variant was absent in 211950 control chromosomes. The available data on variant occurrences in the general population are insufficient to allow any conclusion about variant significance. To our knowledge, no occurrence of c.4498-11C>A in individuals affected with Dystonia 28, Childhood-Onset and no experimental evidence demonstrating its impact on protein function have been reported. No submitters have cited clinical-significance assessments for this variant to ClinVar after 2014. Based on the evidence outlined above, the variant was classified as likely benign.